The following is an entry in ClinVar:

ClinVar aggregate classification (germline): Pathogenic (1 of 4 stars; one submission).

Submission:

Labcorp Genetics (formerly Invitae), Labcorp
Classification: Pathogenic. Last evaluated: 2019-11-28. Review status: criteria provided, single submitter. Criteria: Invitae Variant Classification Sherloc (09022015). Collection method: clinical testing. Allele origin: germline.
Comment: Algorithms developed to predict the effect of sequence changes on RNA splicing suggest that this variant may disrupt the consensus splice site, but this prediction has not been confirmed by published transcriptional studies. For these reasons, this variant has been classified as Pathogenic. Donor and acceptor splice site variants typically lead to a loss of protein function (PMID: 16199547), and loss-of-function variants in ADGRV1 are known to be pathogenic (PMID: 19357117, 22135276, 22147658). This finding is consistent with autosomal recessive inheritance, and suggests that this variant contributes to disease. This variant is not present in population databases (ExAC no frequency). This sequence change affects a donor splice site in intron 34 of the ADGRV1 gene. It is expected to disrupt RNA splicing and likely results in an absent or disrupted protein product.

Literature cited by the submitters: PubMed 16199547; PubMed 19357117; PubMed 22135276; PubMed 22147658.

NM_032119.4(ADGRV1):c.8155+1G>A

Gene: ADGRV1 (adhesion G protein-coupled receptor V1; plus strand). Cytogenetic location: 5q14.3.
Variant type: single nucleotide variant.
Coding change: c.8155+1G>A on transcript NM_032119.4 (MANE Select); the canonical splice donor site of the intron after coding-DNA position 8155, G replaced by A.
Molecular consequence: splice donor variant.
Genome position (GRCh38, 1-based): chr5:90,697,147, G>A. VCF-style: chr5-90697147-G-A. GRCh37 (hg19) VCF-style: chr5-89992964-G-A.
Identifiers: ClinVar variation 863468 (VCV000863468.10), dbSNP rs1179484173, ClinGen allele CA360386848.